The following is an entry in ClinVar:

NM_004260.4(RECQL4):c.142C>G (p.Leu48Val)

Genes: RECQL4 (RecQ like helicase 4; minus strand), LOC130001411 (ATAC-STARR-seq lymphoblastoid silent region 19699; plus strand). Cytogenetic location: 8q24.3.
Variant type: single nucleotide variant.
Coding change: c.142C>G on transcript NM_004260.4 (MANE Select); coding-DNA position 142, C replaced by G.
Protein change: p.Leu48Val; replaces leucine 48 with valine.
Molecular consequence: missense variant.
Genome position (GRCh38, 1-based): chr8:144,517,485, G>C on the plus strand (C>G on the coding strand, the complement: RECQL4 is on the minus strand). VCF-style: chr8-144517485-G-C. GRCh37 (hg19) VCF-style: chr8-145742869-G-C.
Other names: c.142C>G (NM_004260.3); c.142C>G, p.Leu48Val (NM_001413017.1, NM_001413018.1, NM_001413019.1 and 5 more transcripts); c.-579C>G (NM_001413021.1); c.-930C>G (NM_001413022.1, NM_001413023.1, NM_001413037.1 and 2 more transcripts); c.-827C>G (NM_001413024.1, NM_001413035.1); c.-992C>G (NM_001413027.1, NM_001413030.1, NM_001413031.1 and 1 more transcripts); c.-655C>G (NM_001413028.1); c.-889C>G (NM_001413032.1); and 2 more; short protein forms L48V.
Identifiers: ClinVar variation 2015989 (VCV002015989.5), dbSNP rs1273649766, ClinGen allele CA372692723.

ClinVar aggregate classification (germline): Uncertain significance. Review status: criteria provided, multiple submitters, no conflicts (2 of 4 stars). 2 submissions from 2 submitters: Uncertain significance (2). Last evaluated 2024-02-06.

Conditions:
Baller-Gerold syndrome (BGS). Also called: CRANIOSYNOSTOSIS WITH RADIAL DEFECTS. Identifiers: Orphanet 1225, MedGen C0265308, MONDO:0009039, OMIM 218600.

Submissions (2):

Revvity Omics, Revvity
Classification: Uncertain significance. Last evaluated: 2024-02-06. Review status: criteria provided, single submitter. Criteria: ACMG Guidelines, 2015. Collection method: clinical testing. Allele origin: germline.

Labcorp Genetics (formerly Invitae), Labcorp
Classification: Uncertain significance for Baller-Gerold syndrome. Last evaluated: 2022-08-23. Review status: criteria provided, single submitter. Criteria: Invitae Variant Classification Sherloc (09022015). Collection method: clinical testing. Allele origin: germline.
Comment: This sequence change replaces leucine, which is neutral and non-polar, with valine, which is neutral and non-polar, at codon 48 of the RECQL4 protein (p.Leu48Val). This variant is not present in population databases (gnomAD no frequency). This variant has not been reported in the literature in individuals affected with RECQL4-related conditions. Experimental studies and prediction algorithms are not available or were not evaluated, and the functional significance of this variant is currently unknown. In summary, the available evidence is currently insufficient to determine the role of this variant in disease. Therefore, it has been classified as a Variant of Uncertain Significance.